The following is an entry in ClinVar:

NM_000520.6(HEXA):c.917T>G (p.Leu306Ter)

Gene: HEXA (hexosaminidase subunit alpha; minus strand). Cytogenetic location: 15q23.
Variant type: single nucleotide variant.
Coding change: c.917T>G on transcript NM_000520.6 (MANE Select); coding-DNA position 917, T replaced by G.
Protein change: p.Leu306Ter; replaces leucine 306 with a stop codon.
Molecular consequence: nonsense. On other transcripts: non-coding transcript variant (1).
Genome position (GRCh38, 1-based): chr15:72,349,148, A>C on the plus strand (T>G on the coding strand, the complement: HEXA is on the minus strand). VCF-style: chr15-72349148-A-C. GRCh37 (hg19) VCF-style: chr15-72641489-A-C.
Other names: c.950T>G, p.Leu317Ter (NM_001318825.2); short protein forms L306*, L317*.
Identifiers: ClinVar variation 1440906 (VCV001440906.6), dbSNP rs1567297439, ClinGen allele CA393062381.

ClinVar aggregate classification (germline): Pathogenic (1 of 4 stars; one submission).

Conditions:
Tay-Sachs disease (TSD). Also called: HEXA DEFICIENCY; GM2 gangliosidosis, type 1; Hexosaminidase alpha-subunit deficiency (variant B); Sphingolipidosis, Tay-Sachs; HEXA Disorders; Hexosaminidase A Deficiency. Identifiers: Orphanet 845, MedGen C0039373, MONDO:0010100, OMIM 272800.

Allele frequency attached by ClinVar (database versions not stated): TOPMed below 0.00001; gnomAD 0.00001.
gnomAD v4.1: 1 of 1,613,672 alleles (0.000062%); highest among the groups gnomAD compares: Non-Finnish European, 0.000085%; no homozygotes.

Submission:

Labcorp Genetics (formerly Invitae), Labcorp
Classification: Pathogenic for Tay-Sachs disease. Last evaluated: 2021-12-21. Review status: criteria provided, single submitter. Criteria: Invitae Variant Classification Sherloc (09022015). Collection method: clinical testing. Allele origin: germline.
Comment: This variant has not been reported in the literature in individuals affected with HEXA-related conditions. For these reasons, this variant has been classified as Pathogenic. This variant is not present in population databases (gnomAD no frequency). This sequence change creates a premature translational stop signal (p.Leu306*) in the HEXA gene. It is expected to result in an absent or disrupted protein product. Loss-of-function variants in HEXA are known to be pathogenic (PMID: 1833974, 8490625).

Literature cited by the submitters: PubMed 1833974; PubMed 8490625.